The following is an entry in ClinVar:

NM_001987.5(ETV6):c.1046T>C (p.Leu349Pro)

Genes: ETV6 (ETS variant transcription factor 6; plus strand), LOC126861452 (CDK7 strongly-dependent group 2 enhancer GRCh37_chr12:12037195-12038394; plus strand). Cytogenetic location: 12p13.2.
Variant type: single nucleotide variant.
Coding change: c.1046T>C on transcript NM_001987.5 (MANE Select); coding-DNA position 1046, T replaced by C.
Protein change: p.Leu349Pro; replaces leucine 349 with proline.
Molecular consequence: missense variant.
Genome position (GRCh38, 1-based): chr12:11,884,481, T>C. VCF-style: chr12-11884481-T-C. GRCh37 (hg19) VCF-style: chr12-12037415-T-C.
Other names: short protein forms L349P.
Identifiers: ClinVar variation 190241 (VCV000190241.3), dbSNP rs786205155, ClinGen allele CA277990.
Genomic context (GRCh38, chr12:11,884,481, plus strand): 5'-TTTTCTTGCCCTTTTCCTCTGTAGACTGTAGACTGCTTTGGGATTACGTCTATCAGTTGC[T>C]TTCTGACAGCCGGTACGAAAACTTCATCCGATGGGAGGACAAAGAATCCAAAATATTCCG-3'
Protein context (NP_001978.1, residues 339-359): RLLWDYVYQL[Leu349Pro]SDSRYENFIR

ClinVar aggregate classification (germline): Likely pathogenic. Review status: criteria provided, single submitter (1 of 4 stars). 3 submissions from 2 submitters: Likely pathogenic (1). 2 of the submissions do not count toward it. Last evaluated 2023-12-20.

Conditions:
Inborn genetic diseases. Identifiers: MedGen C0950123, MeSH D030342.
Thrombocytopenia. Identifiers: MedGen C0040034, MeSH D013921, MONDO:0002049, HP:0001873.
Acute lymphoid leukemia (ALL). Also called: Lymphoblastic leukemia; Leukemia, acute lymphoblastic, somatic; Acute lymphoblastic leukemia; Acute lymphocytic leukemia. Identifiers: Orphanet 513, MedGen C0023449, MONDO:0004967, OMIM 613065, HP:0006721.

Submissions (3):

Ambry Genetics
Classification: Likely pathogenic for Inborn genetic diseases. Last evaluated: 2023-12-20. Review status: criteria provided, single submitter. Criteria: Ambry Variant Classification Scheme 2023. Collection method: clinical testing. Allele origin: germline.
Comment: The p.L349P variant (also known as c.1046T>C), located in coding exon 6 of the ETV6 gene, results from a T to C substitution at nucleotide position 1046. The leucine at codon 349 is replaced by proline, an amino acid with similar properties. This variant is considered to be rare based on population cohorts in the Genome Aggregation Database (gnomAD). This variant has been reported in individuals with clinical features consistent with ETV6-related disease and also reported to segregate with disease (Topka S et al. PLoS Genet, 2015 Jun;11:e1005262). This amino acid position is highly conserved in available vertebrate species. In addition, this alteration is predicted to be deleterious by in silico analysis. In multiple assays testing ETV6 function, this variant showed functionally abnormal results (Topka S et al. PLoS Genet, 2015 Jun;11:e1005262). Based on the majority of available evidence to date, this variant is likely to be pathogenic.

Diagnostic Molecular Genetics Laboratory, Memorial Sloan Kettering Cancer Center
Classification: Pathogenic for Thrombocytopenia; LEUKEMIA, ACUTE LYMPHOBLASTIC; ALL. Last evaluated: 2015-03-17. Review status: no assertion criteria provided. Collection method: research. Allele origin: germline. Affected: yes. Observed: 2 variant alleles. Study: B-ALL. Not counted in ClinVar's aggregate classification.
Comment: Co-segregation in family

Diagnostic Molecular Genetics Laboratory, Memorial Sloan Kettering Cancer Center
Classification: Pathogenic for Thrombocytopenia. Last evaluated: 2015-03-17. Review status: no assertion criteria provided. Collection method: research. Allele origin: germline. Affected: yes. Observed: 9 variant alleles. Study: B-ALL. Not counted in ClinVar's aggregate classification.
Comment: the same text as in the submission from Diagnostic Molecular Genetics Laboratory, Memorial Sloan Kettering Cancer Center above.

Literature cited by the submitters: PubMed 26102509 (cited by Ambry Genetics).